The following is an entry in ClinVar:

ClinVar aggregate classification (germline): Conflicting classifications of pathogenicity. Review status: criteria provided, conflicting classifications (1 of 4 stars). 2 submissions from 2 submitters: Uncertain significance (1); Likely benign (1). Last evaluated 2026-03-01.

gnomAD v4.1: 5 of 1,613,562 alleles (0.00031%); highest among the groups gnomAD compares: Admixed American, 0.0017%; no homozygotes.

Submissions (2):

CeGaT Center for Human Genetics Tuebingen
Classification: Uncertain significance. Last evaluated: 2026-03-01. Review status: criteria provided, single submitter. Criteria: CeGaT Center For Human Genetics Tuebingen Variant Classification Criteria Version 2. Collection method: clinical testing. Allele origin: germline. Affected: yes. Observed: 1 variant allele.
Comment: TTN: PM2

Molecular Diagnostic Laboratory for Inherited Cardiovascular Disease, Montreal Heart Institute
Classification: Likely benign. Last evaluated: 2025-04-09. Review status: criteria provided, single submitter. Criteria: ACMG Guidelines, 2015. Collection method: clinical testing. Allele origin: germline. Affected: no.

NM_001267550.2(TTN):c.84340A>G (p.Ile28114Val)

Genes: TTN (titin; minus strand), TTN-AS1 (TTN antisense RNA 1; plus strand). Cytogenetic location: 2q31.2.
Variant type: single nucleotide variant.
Coding change: c.84340A>G on transcript NM_001267550.2 (MANE Select); coding-DNA position 84340, A replaced by G.
Protein change: p.Ile28114Val; replaces isoleucine 28114 with valine.
Molecular consequence: missense variant.
Genome position (GRCh38, 1-based): chr2:178,561,792, T>C on the plus strand (A>G on the coding strand, the complement: TTN is on the minus strand). VCF-style: chr2-178561792-T-C. GRCh37 (hg19) VCF-style: chr2-179426519-T-C.
Other names: c.79417A>G, p.Ile26473Val (NM_001256850.1); c.57145A>G, p.Ile19049Val (NM_003319.4); c.76636A>G, p.Ile25546Val (NM_133378.4); c.57520A>G, p.Ile19174Val (NM_133432.3); c.57721A>G, p.Ile19241Val (NM_133437.4); short protein forms I19049V, I19174V, I19241V, I25546V, I26473V, I28114V.
Identifiers: ClinVar variation 3894924 (VCV003894924.5), dbSNP rs1703767853.
Genomic context (GRCh38, chr2:178,561,792, plus strand): 5'-GGTTTTCTGCACAAACACGGAACTGATACTCACTTCCTGTTGTCAGGCGAACTATTTTAA[T>C]GGATGTTCTTGCAACTGCTTGTGAAACTATGTGCCATGTTGTAGAGGTGGTTTCTTTCTT-3'
Protein context (NP_001254479.2, residues 28104-28124): IVSQAVARTS[Ile28114Val]KIVRLTTGSE